The following is an entry in ClinVar:

ClinVar aggregate classification (germline): Uncertain significance (1 of 4 stars; one submission).

Allele frequency attached by ClinVar (database versions not stated): gnomAD 0.00001; gnomAD exomes 0.00001; TOPMed 0.00001; ExAC 0.00003.
gnomAD v4.1: 10 of 1,571,004 alleles (0.00064%); highest among the groups gnomAD compares: South Asian, 0.0056%; no homozygotes.

Submission:

Labcorp Genetics (formerly Invitae), Labcorp
Classification: Uncertain significance. Last evaluated: 2023-12-07. Review status: criteria provided, single submitter. Criteria: Invitae Variant Classification Sherloc (09022015). Collection method: clinical testing. Allele origin: germline.
Comment: This sequence change replaces arginine, which is basic and polar, with tryptophan, which is neutral and slightly polar, at codon 761 of the TONSL protein (p.Arg761Trp). The frequency data for this variant in the population databases is considered unreliable, as metrics indicate poor data quality at this position in the gnomAD database. This variant has not been reported in the literature in individuals affected with TONSL-related conditions. ClinVar contains an entry for this variant (Variation ID: 1399669). Advanced modeling of protein sequence and biophysical properties (such as structural, functional, and spatial information, amino acid conservation, physicochemical variation, residue mobility, and thermodynamic stability) performed at Invitae indicates that this missense variant is expected to disrupt TONSL protein function with a positive predictive value of 80%. In summary, the available evidence is currently insufficient to determine the role of this variant in disease. Therefore, it has been classified as a Variant of Uncertain Significance.

NM_013432.5(TONSL):c.2281C>T (p.Arg761Trp)

Genes: TONSL (tonsoku like, DNA repair protein; minus strand), TONSL-AS1 (TONSL antisense RNA 1; plus strand). Cytogenetic location: 8q24.3.
Variant type: single nucleotide variant.
Coding change: c.2281C>T on transcript NM_013432.5 (MANE Select); coding-DNA position 2281, C replaced by T.
Protein change: p.Arg761Trp; replaces arginine 761 with tryptophan.
Molecular consequence: missense variant.
Genome position (GRCh38, 1-based): chr8:144,436,152, G>A on the plus strand (C>T on the coding strand, the complement: TONSL is on the minus strand). VCF-style: chr8-144436152-G-A. GRCh37 (hg19) VCF-style: chr8-145661535-G-A.
Other names: short protein forms R761W.
Identifiers: ClinVar variation 1399669 (VCV001399669.6), dbSNP rs762928887, ClinGen allele CA4942868.